The following is an entry in ClinVar:

NM_000051.4(ATM):c.5690dup (p.Arg1898fs)

Gene: ATM (ATM serine/threonine kinase; plus strand). Cytogenetic location: 11q22.3.
Variant type: Duplication.
Coding change: c.5690dup on transcript NM_000051.4 (MANE Select); coding-DNA position 5690, one base duplicated (T; older notation c.5690dupT).
Protein change: p.Arg1898fs; shifts the reading frame from arginine 1898.
Molecular consequence: frameshift variant.
Genome position (GRCh38, 1-based): chr11:108,307,912, T duplicated; the last of 5 consecutive T bases (chr11:108,307,908-108,307,912); duplicating any one gives the same sequence. VCF-style (leftmost placement, unchanged base first): chr11-108307907-C-CT. GRCh37 (hg19) VCF-style: chr11-108178634-C-CT.
Other names: c.5690dup, p.Arg1898fs (NM_001351834.2); c.5690dupT (NM_000051.3); short protein forms R1898fs.
Identifiers: ClinVar variation 1749080 (VCV001749080.2), dbSNP rs1591731851, ClinGen allele CA2580083421.

ClinVar aggregate classification (germline): Pathogenic (1 of 4 stars; one submission).

Conditions:
Hereditary cancer-predisposing syndrome. Also called: Hereditary Cancer Syndrome; Hereditary neoplastic syndrome; Neoplastic Syndromes, Hereditary; Tumor predisposition. Identifiers: Orphanet 140162, MedGen C0027672, MeSH D009386, MONDO:0015356.

Submission:

Ambry Genetics
Classification: Pathogenic for Hereditary cancer-predisposing syndrome. Last evaluated: 2022-03-08. Review status: criteria provided, single submitter. Criteria: Ambry Variant Classification Scheme 2023. Collection method: clinical testing. Allele origin: germline.
Comment: The c.5690dupT pathogenic mutation, located in coding exon 37 of the ATM gene, results from a duplication of T at nucleotide position 5690, causing a translational frameshift with a predicted alternate stop codon (p.R1898Pfs*6). This alteration is expected to result in loss of function by premature protein truncation or nonsense-mediated mRNA decay. As such, this alteration is interpreted as a disease-causing mutation.